The following is an entry in ClinVar:

NM_182641.4(BPTF):c.288A>G (p.Gly96=)

Gene: BPTF (bromodomain PHD finger transcription factor; plus strand). Cytogenetic location: 17q24.2.
Variant type: single nucleotide variant.
Coding change: c.288A>G on transcript NM_182641.4 (MANE Select); coding-DNA position 288, A replaced by G.
Protein change: p.Gly96=; no amino-acid change (glycine 96 retained).
Molecular consequence: synonymous variant.
Genome position (GRCh38, 1-based): chr17:67,826,012, A>G. VCF-style: chr17-67826012-A-G. GRCh37 (hg19) VCF-style: chr17-65822128-A-G.
Other names: c.288A>G, p.Gly96= (NM_004459.7).
Identifiers: ClinVar variation 3257239 (VCV003257239.17).

ClinVar aggregate classification (germline): Likely benign (1 of 4 stars; one submission).

gnomAD v4.1: 2 of 819,866 alleles (0.00024%); highest among the groups gnomAD compares: African/African-American, 0.0019%; no homozygotes.

Submission:

CeGaT Center for Human Genetics Tuebingen
Classification: Likely benign. Last evaluated: 2024-12-01. Review status: criteria provided, single submitter. Criteria: CeGaT Center For Human Genetics Tuebingen Variant Classification Criteria Version 2. Collection method: clinical testing. Allele origin: germline. Affected: yes. Observed: 2 variant alleles.
Comment: BPTF: BP4, BP7